The following is an entry in ClinVar:

ClinVar aggregate classification (germline): Uncertain significance. Review status: criteria provided, multiple submitters, no conflicts (2 of 4 stars). 2 submissions from 2 submitters: Uncertain significance (2). Last evaluated 2025-10-02.

Conditions:
Age related macular degeneration 4. Identifiers: MedGen C1853147, MONDO:0012540, OMIM 610698.

Allele frequency attached by ClinVar (database versions not stated): ExAC 0.00001; gnomAD 0.00002; gnomAD exomes 0.00002; TOPMed 0.00002; ESP Exome Variant Server 0.00008.

Submissions (2):

Genomenon, Inc
Classification: Uncertain significance for Age related macular degeneration 4. Last evaluated: 2025-10-02. Review status: criteria provided, single submitter. Criteria: Genomenon Sequence Variant Interpretation Standards - Updated. Collection method: curation. Allele origin: germline. Affected: yes.
Comment: CFH p.Val144Met (c.430G>A) is a missense variant that changes the amino acid at residue 144 from Valine to Methionine. This variant has been observed in at least one proband affected with age-related macular degeneration (PMID:29686068). It is absent or not present at a significant frequency in gnomAD. In silico models agree that this variant is not damaging. In conclusion, we classify CFH p.Val144Met (c.430G>A) as a variant of uncertain significance.

Labcorp Genetics (formerly Invitae), Labcorp
Classification: Uncertain significance. Last evaluated: 2025-09-29. Review status: criteria provided, single submitter. Criteria: Invitae Variant Classification Sherloc (09022015). Collection method: clinical testing. Allele origin: germline.
Comment: This sequence change replaces valine, which is neutral and non-polar, with methionine, which is neutral and non-polar, at codon 144 of the CFH protein (p.Val144Met). This variant is present in population databases (rs143609884, gnomAD 0.002%). This variant has not been reported in the literature in individuals affected with CFH-related conditions. ClinVar contains an entry for this variant (Variation ID: 2910128). An algorithm developed to predict the effect of missense changes on protein structure and function (PolyPhen-2) suggests that this variant is likely to be disruptive. In summary, the available evidence is currently insufficient to determine the role of this variant in disease. Therefore, it has been classified as a Variant of Uncertain Significance.

Literature cited by the submitters: PubMed 29686068 (cited by Genomenon, Inc).

NM_000186.4(CFH):c.430G>A (p.Val144Met)

Gene: CFH (complement factor H; plus strand). Cytogenetic location: 1q31.3.
Variant type: single nucleotide variant.
Coding change: c.430G>A on transcript NM_000186.4 (MANE Select); coding-DNA position 430, G replaced by A.
Protein change: p.Val144Met; replaces valine 144 with methionine.
Molecular consequence: missense variant.
Genome position (GRCh38, 1-based): chr1:196,677,478, G>A. VCF-style: chr1-196677478-G-A. GRCh37 (hg19) VCF-style: chr1-196646608-G-A.
Other names: c.430G>A, p.Val144Met (NM_001014975.3); short protein forms V144M.
Identifiers: ClinVar variation 2910128 (VCV002910128.4), dbSNP rs143609884, ClinGen allele CA1305065.
Genomic context (GRCh38, chr1:196,677,478, plus strand): 5'-ATTTTTCACAATAAACTTTTAAAATTCCATTAGAAAACATTACATGTATTTTCTTCAGTT[G>A]TGAAGTGTTTACCAGTGACAGCACCAGAGAATGGAAAAATTGTCAGTAGTGCAATGGAAC-3'
Protein context (NP_000177.2, residues 134-154): WTNDIPICEV[Val144Met]KCLPVTAPEN